The following is an entry in ClinVar:

NM_006922.4(SCN3A):c.4403T>G (p.Ile1468Arg)

Gene: SCN3A (sodium voltage-gated channel alpha subunit 3; minus strand). Cytogenetic location: 2q24.3.
Variant type: single nucleotide variant.
Coding change: c.4403T>G on transcript NM_006922.4 (MANE Select); coding-DNA position 4403, T replaced by G.
Protein change: p.Ile1468Arg; replaces isoleucine 1468 with arginine.
Molecular consequence: missense variant.
Genome position (GRCh38, 1-based): chr2:165,095,539, A>C on the plus strand (T>G on the coding strand, the complement: SCN3A is on the minus strand). VCF-style: chr2-165095539-A-C. GRCh37 (hg19) VCF-style: chr2-165952049-A-C.
Other names: c.4256T>G, p.Ile1419Arg (NM_001081676.2, NM_001081677.2); short protein forms I1419R, I1468R.
Identifiers: ClinVar variation 808839 (VCV000808839.44), dbSNP rs755159935, ClinGen allele CA349023091.

ClinVar aggregate classification (germline): Likely pathogenic. Review status: criteria provided, multiple submitters, no conflicts (2 of 4 stars). 2 submissions from 2 submitters: Likely pathogenic (2). Last evaluated 2021-12-21.

Conditions:
Developmental and epileptic encephalopathy, 62. Also called: Early infantile epileptic encephalopathy 62. Identifiers: MedGen C4693699, MONDO:0033371, OMIM 617938.

Submissions (3):

Institute of Human Genetics, University of Leipzig Medical Center
Classification: Likely pathogenic for Developmental and epileptic encephalopathy, 62. Last evaluated: 2021-12-21. Review status: criteria provided, single submitter. Criteria: ACMG Guidelines, 2015. Collection method: research. Allele origin: de novo. Affected: yes.

CeGaT Center for Human Genetics Tuebingen
Classification: Likely pathogenic. Last evaluated: 2018-04-01. Review status: criteria provided, single submitter. Criteria: CeGaT Center For Human Genetics Tuebingen Variant Classification Criteria Version 2. Collection method: clinical testing. Allele origin: germline. Affected: yes. Observed: 1 variant allele.

Channelopathy-Associated Epilepsy Research Center
No classification provided (evidence only). Condition: Developmental and epileptic encephalopathy. Review status: no classification provided. Collection method: literature only. Allele origin: not applicable. Functional consequence: Mild decrease in peak current, Moderate slowing of fast inactivation, Normal slope of activation, Normal slope of fast inactivation, Normal voltage dependence of activation, Severe depolarizing shift of voltage dependence of fast inactivation, Severe increase in persistent current, Overall mixed or unclear functional effect not able to be clearly categorized as Gain- or Loss-of-Function. Not counted in ClinVar's aggregate classification.
ClinVar note: "not provided" was previously submitted as the classification for the variant. However, the classification appeared to be based only on an observation of functional data so it was converted to no classification on 2025-07-30.

Literature cited by the submitters: PubMed 32515017 (cited by Institute of Human Genetics, University of Leipzig Medical Center and Channelopathy-Associated Epilepsy Research Center).